The following is an entry in ClinVar:

ClinVar aggregate classification (germline): Benign (1 of 4 stars; one submission).

Allele frequency attached by ClinVar (database versions not stated): ESP Exome Variant Server 0.01699; TOPMed 0.01720; 1000 Genomes Project 30x 0.02077; 1000 Genomes Project 0.02097.
gnomAD v4.1: 4,722 of 1,612,248 alleles (0.29%); highest among the groups gnomAD compares: African/African-American, 5.5%; 113 homozygotes.

Submission:

GeneDx
Classification: Benign. Last evaluated: 2018-06-14. Review status: criteria provided, single submitter. Criteria: GeneDx Variant Classification (06012015). Collection method: clinical testing. Allele origin: germline. Affected: yes.
Comment: This variant is considered likely benign or benign based on one or more of the following criteria: it is a conservative change, it occurs at a poorly conserved position in the protein, it is predicted to be benign by multiple in silico algorithms, and/or has population frequency not consistent with disease.

NM_020745.4(AARS2):c.1041-23G>C

Genes: AARS2 (alanyl-tRNA synthetase 2, mitochondrial; minus strand), POLR1C (RNA polymerase I and III subunit C; plus strand). Cytogenetic location: 6p21.1.
Variant type: single nucleotide variant.
Coding change: c.1041-23G>C on transcript NM_020745.4 (MANE Select); 23 bases into the intron before coding-DNA position 1041, G replaced by C.
Molecular consequence: intron variant.
Genome position (GRCh38, 1-based): chr6:44,307,054, C>G on the plus strand (G>C on the coding strand, the complement: AARS2 is on the minus strand). VCF-style: chr6-44307054-C-G. GRCh37 (hg19) VCF-style: chr6-44274791-C-G.
Identifiers: ClinVar variation 673697 (VCV000673697.1), dbSNP rs111839169, ClinGen allele CA3834462.